The following is an entry in ClinVar:

NM_025150.5(TARS2):c.1909C>T (p.Arg637Trp)

Gene: TARS2 (threonyl-tRNA synthetase 2, mitochondrial; plus strand). Cytogenetic location: 1q21.2.
Variant type: single nucleotide variant.
Coding change: c.1909C>T on transcript NM_025150.5 (MANE Select); coding-DNA position 1909, C replaced by T.
Protein change: p.Arg637Trp; replaces arginine 637 with tryptophan.
Molecular consequence: missense variant. On other transcripts: non-coding transcript variant (2).
Genome position (GRCh38, 1-based): chr1:150,505,606, C>T. VCF-style: chr1-150505606-C-T. GRCh37 (hg19) VCF-style: chr1-150478082-C-T.
Other names: c.1663C>T, p.Arg555Trp (NM_001271895.2); c.1519C>T, p.Arg507Trp (NM_001271896.2); c.1909C>T (NM_025150.3); short protein forms R507W, R555W, R637W.
Identifiers: ClinVar variation 1800676 (VCV001800676.2), dbSNP rs774442847, ClinGen allele CA1077196.

ClinVar aggregate classification (germline): Uncertain significance. Review status: criteria provided, multiple submitters, no conflicts (2 of 4 stars). 2 submissions from 2 submitters: Uncertain significance (2). Last evaluated 2025-08-13.

Conditions:
Inborn genetic diseases. Identifiers: MedGen C0950123, MeSH D030342.

Allele frequency attached by ClinVar (database versions not stated): gnomAD exomes 0.00001; ExAC 0.00002; TOPMed 0.00003; gnomAD 0.00005.
gnomAD v4.1: 20 of 1,613,880 alleles (0.0012%); highest among the groups gnomAD compares: African/African-American, 0.017%; no homozygotes.

Submissions (2):

Ambry Genetics
Classification: Uncertain significance for Inborn genetic diseases. Last evaluated: 2025-08-13. Review status: criteria provided, single submitter. Criteria: Ambry Variant Classification Scheme 2023. Collection method: clinical testing. Allele origin: germline.

GeneDx
Classification: Uncertain significance. Last evaluated: 2022-05-18. Review status: criteria provided, single submitter. Criteria: GeneDx Variant Classification Process June 2021. Collection method: clinical testing. Allele origin: germline. Affected: yes.
Comment: Not observed at significant frequency in large population cohorts (gnomAD); In silico analysis supports that this missense variant does not alter protein structure/function; Has not been previously published as pathogenic or benign to our knowledge; Variants in candidate genes are classified as variants of uncertain significance in accordance with ACMG guidelines (Richards et al., 2015)